The following is an entry in ClinVar:

ClinVar aggregate classification (germline): Pathogenic. Review status: criteria provided, multiple submitters, no conflicts (2 of 4 stars). 2 submissions from 2 submitters: Pathogenic (2). Last evaluated 2023-01-30.

Conditions:
Encephalopathy due to GLUT1 deficiency. Also called: GLUCOSE TRANSPORT DEFECT, BLOOD-BRAIN BARRIER; Glucose transporter protein syndrome; GLUT1 deficiency syndrome 1; De Vivo disease; GLUT1 deficiency syndrome 1, infantile onset, severe; Classic Glucose Transporter Type 1 Deficiency Syndrome. Identifiers: Orphanet 71277, MedGen C4551966, MONDO:0011724, OMIM 606777.
GLUT1 deficiency syndrome 1, autosomal recessive. Identifiers: MedGen C3149117.

Submissions (2):

Labcorp Genetics (formerly Invitae), Labcorp
Classification: Pathogenic for GLUT1 deficiency syndrome 1, autosomal recessive. Last evaluated: 2023-01-30. Review status: criteria provided, single submitter. Criteria: Invitae Variant Classification Sherloc (09022015). Collection method: clinical testing. Allele origin: germline.
Comment: For these reasons, this variant has been classified as Pathogenic. ClinVar contains an entry for this variant (Variation ID: 1027520). This premature translational stop signal has been observed in individual(s) with SLC2A1-related conditions (PMID: 23801573). This variant is not present in population databases (gnomAD no frequency). This sequence change creates a premature translational stop signal (p.Gln46*) in the SLC2A1 gene. It is expected to result in an absent or disrupted protein product. Loss-of-function variants in SLC2A1 are known to be pathogenic (PMID: 21832227, 26193382).

Molecular Medicine for Neurodegenerative and Neuromuscular Diseases Unit, IRCCS Fondazione Stella Maris
Classification: Pathogenic for Encephalopathy due to GLUT1 deficiency. Last evaluated: 2021-01-04. Review status: criteria provided, single submitter. Criteria: ACMG Guidelines, 2015. Collection method: research. Allele origin: de novo. Affected: yes.

Literature cited by the submitters: PubMed 23801573 (cited by Labcorp Genetics (formerly Invitae), Labcorp); PubMed 21832227 (cited by Labcorp Genetics (formerly Invitae), Labcorp); PubMed 26193382 (cited by Labcorp Genetics (formerly Invitae), Labcorp).

NM_006516.4(SLC2A1):c.136C>T (p.Gln46Ter)

Gene: SLC2A1 (solute carrier family 2 member 1; minus strand). Cytogenetic location: 1p34.2.
Variant type: single nucleotide variant.
Coding change: c.136C>T on transcript NM_006516.4 (MANE Select); coding-DNA position 136, C replaced by T.
Protein change: p.Gln46Ter; replaces glutamine 46 with a stop codon.
Molecular consequence: nonsense.
Genome position (GRCh38, 1-based): chr1:42,931,185, G>A on the plus strand (C>T on the coding strand, the complement: SLC2A1 is on the minus strand). VCF-style: chr1-42931185-G-A. GRCh37 (hg19) VCF-style: chr1-43396856-G-A.
Other names: short protein forms Q46*.
Identifiers: ClinVar variation 1027520 (VCV001027520.4), dbSNP rs754791604, ClinGen allele CA339962533.
Genomic context (GRCh38, chr1:42,931,185, plus strand): 5'-ACCAGAGCGTGGTGAGCGTGGTGGGCAGGATGCTCTCCCCATAGCGGTGGACCCATGTCT[G>A]GTTGTAGAACTCCTCGATCACCTGCAGGGGGAGATGCAGCCTGGGTGAGCAAGCCAGGGG-3'